The following is an entry in ClinVar:

NM_000465.4(BARD1):c.2184T>A (p.Ser728=)

Gene: BARD1 (BRCA1 associated RING domain 1; minus strand). Cytogenetic location: 2q35.
Variant type: single nucleotide variant.
Coding change: c.2184T>A on transcript NM_000465.4 (MANE Select); coding-DNA position 2184, T replaced by A.
Protein change: p.Ser728=; no amino-acid change (serine 728 retained).
Molecular consequence: synonymous variant. On other transcripts: non-coding transcript variant (3).
Genome position (GRCh38, 1-based): chr2:214,728,826, A>T on the plus strand (T>A on the coding strand, the complement: BARD1 is on the minus strand). VCF-style: chr2-214728826-A-T. GRCh37 (hg19) VCF-style: chr2-215593550-A-T.
Other names: c.2127T>A, p.Ser709= (NM_001282543.2); c.831T>A, p.Ser277= (NM_001282545.2); c.774T>A, p.Ser258= (NM_001282548.2); c.645T>A, p.Ser215= (NM_001282549.2).
Identifiers: ClinVar variation 3379135 (VCV003379135.1).

ClinVar aggregate classification (germline): Benign (1 of 4 stars; one submission).

Conditions:
Familial cancer of breast. Also called: hereditary breast carcinoma; Hereditary breast cancer; BREAST CANCER, FAMILIAL. Identifiers: Orphanet 227535, MedGen C0346153, MONDO:0016419, OMIM 114480. Disease mechanism: loss of function.

Submission:

Myriad Genetics, Inc.
Classification: Benign for Familial cancer of breast. Last evaluated: 2024-07-30. Review status: criteria provided, single submitter. Criteria: Myriad Autosomal Dominant, Autosomal Recessive and X-Linked Classification Criteria (2023). Collection method: clinical testing. Allele origin: unknown.
Comment: This variant is considered benign. This variant is a silent/synonymous amino acid change and it is not expected to impact splicing.